The following is an entry in ClinVar:

ClinVar aggregate classification (germline): Benign/Likely benign. Review status: criteria provided, multiple submitters, no conflicts (2 of 4 stars). 4 submissions from 4 submitters: Benign (1); Likely benign (3). Last evaluated 2025-05-13.

Conditions:
Oligodontia-cancer predisposition syndrome. Also called: TOOTH AGENESIS-COLORECTAL CANCER SYNDROME. Identifiers: Orphanet 300576, MedGen C1837750, MONDO:0012075, OMIM 608615. Disease mechanism: loss of function.
Hereditary cancer-predisposing syndrome. Also called: Tumor predisposition; Hereditary neoplastic syndrome; Neoplastic Syndromes, Hereditary; Hereditary Cancer Syndrome. Identifiers: Orphanet 140162, MedGen C0027672, MeSH D009386, MONDO:0015356.

Allele frequency attached by ClinVar (database versions not stated): TOPMed 0.00001.
gnomAD v4.1: 2 of 1,613,980 alleles (0.00012%); highest among the groups gnomAD compares: Non-Finnish European, 0.00017%; no homozygotes.

Submissions (4):

Labcorp Genetics (formerly Invitae), Labcorp
Classification: Likely benign for Oligodontia-cancer predisposition syndrome. Last evaluated: 2025-05-13. Review status: criteria provided, single submitter. Criteria: Invitae Variant Classification Sherloc (09022015). Collection method: clinical testing. Allele origin: germline.

Myriad Genetics, Inc.
Classification: Benign for Oligodontia-cancer predisposition syndrome. Last evaluated: 2024-06-26. Review status: criteria provided, single submitter. Criteria: Myriad Autosomal Dominant, Autosomal Recessive and X-Linked Classification Criteria (2023). Collection method: clinical testing. Allele origin: unknown.
Comment: This variant is considered benign. This variant is a silent/synonymous amino acid change and it is not expected to impact splicing.

Ambry Genetics
Classification: Likely benign for Hereditary cancer-predisposing syndrome. Last evaluated: 2021-03-29. Review status: criteria provided, single submitter. Criteria: Ambry Variant Classification Scheme 2023. Collection method: clinical testing. Allele origin: germline.

GeneDx
Classification: Likely benign. Last evaluated: 2017-03-20. Review status: criteria provided, single submitter. Criteria: GeneDx Variant Classification (06012015). Collection method: clinical testing. Allele origin: germline. Affected: yes.
Comment: This variant is considered likely benign or benign based on one or more of the following criteria: it is a conservative change, it occurs at a poorly conserved position in the protein, it is predicted to be benign by multiple in silico algorithms, and/or has population frequency not consistent with disease.

NM_004655.4(AXIN2):c.426C>T (p.Asn142=)

Gene: AXIN2 (axin 2; minus strand). Cytogenetic location: 17q24.1.
Variant type: single nucleotide variant.
Coding change: c.426C>T on transcript NM_004655.4 (MANE Select); coding-DNA position 426, C replaced by T.
Protein change: p.Asn142=; no amino-acid change (asparagine 142 retained).
Molecular consequence: synonymous variant.
Genome position (GRCh38, 1-based): chr17:65,558,195, G>A on the plus strand (C>T on the coding strand, the complement: AXIN2 is on the minus strand). VCF-style: chr17-65558195-G-A. GRCh37 (hg19) VCF-style: chr17-63554313-G-A.
Other names: c.426C>T, p.Asn142= (NM_001363813.1).
Identifiers: ClinVar variation 668235 (VCV000668235.13), dbSNP rs1322519354, ClinGen allele CA501691785.